The following is an entry in ClinVar:

NM_032888.4(COL27A1):c.1166A>G (p.Gln389Arg)

Gene: COL27A1 (collagen type XXVII alpha 1 chain; plus strand). Cytogenetic location: 9q32.
Variant type: single nucleotide variant.
Coding change: c.1166A>G on transcript NM_032888.4 (MANE Select); coding-DNA position 1166, A replaced by G.
Protein change: p.Gln389Arg; replaces glutamine 389 with arginine.
Molecular consequence: missense variant.
Genome position (GRCh38, 1-based): chr9:114,168,721, A>G. VCF-style: chr9-114168721-A-G. GRCh37 (hg19) VCF-style: chr9-116931001-A-G.
Other names: short protein forms Q389R.
Identifiers: ClinVar variation 2421985 (VCV002421985.6), dbSNP rs2135080899, ClinGen allele CA374593483.

ClinVar aggregate classification (germline): Uncertain significance (1 of 4 stars; one submission).

Allele frequency attached by ClinVar (database versions not stated): gnomAD exomes below 0.00001.
gnomAD v4.1: 1 of 1,614,008 alleles (0.000062%); highest among the groups gnomAD compares: Admixed American, 0.0017%; no homozygotes.

Submission:

Labcorp Genetics (formerly Invitae), Labcorp
Classification: Uncertain significance. Last evaluated: 2025-01-13. Review status: criteria provided, single submitter. Criteria: Invitae Variant Classification Sherloc (09022015). Collection method: clinical testing. Allele origin: germline.
Comment: This sequence change replaces glutamine, which is neutral and polar, with arginine, which is basic and polar, at codon 389 of the COL27A1 protein (p.Gln389Arg). This variant is not present in population databases (gnomAD no frequency). This variant has not been reported in the literature in individuals affected with COL27A1-related conditions. ClinVar contains an entry for this variant (Variation ID: 2421985). Invitae Evidence Modeling of protein sequence and biophysical properties (such as structural, functional, and spatial information, amino acid conservation, physicochemical variation, residue mobility, and thermodynamic stability) indicates that this missense variant is not expected to disrupt COL27A1 protein function with a negative predictive value of 95%. In summary, the available evidence is currently insufficient to determine the role of this variant in disease. Therefore, it has been classified as a Variant of Uncertain Significance.